The following is an entry in ClinVar:

NM_000257.4(MYH7):c.790G>A (p.Glu264Lys)

Gene: MYH7 (myosin heavy chain 7; minus strand). Cytogenetic location: 14q11.2.
Variant type: single nucleotide variant.
Coding change: c.790G>A on transcript NM_000257.4 (MANE Select); coding-DNA position 790, G replaced by A.
Protein change: p.Glu264Lys; replaces glutamic acid 264 with lysine.
Molecular consequence: missense variant.
Genome position (GRCh38, 1-based): chr14:23,431,424, C>T on the plus strand (G>A on the coding strand, the complement: MYH7 is on the minus strand). VCF-style: chr14-23431424-C-T. GRCh37 (hg19) VCF-style: chr14-23900633-C-T.
Other names: c.790G>A, p.Glu264Lys (NM_001407004.1); short protein forms E264K.
Identifiers: ClinVar variation 2563055 (VCV002563055.2), dbSNP rs2502311951, ClinGen allele CA389052050.

ClinVar aggregate classification (germline): Uncertain significance (1 of 4 stars; one submission).

Conditions:
Cardiovascular phenotype. Identifiers: MedGen CN230736.

Submission:

Ambry Genetics
Classification: Uncertain significance for Cardiovascular phenotype. Last evaluated: 2023-05-23. Review status: criteria provided, single submitter. Criteria: Ambry Variant Classification Scheme 2023. Collection method: clinical testing. Allele origin: germline.
Comment: The p.E264K variant (also known as c.790G>A), located in coding exon 7 of the MYH7 gene, results from a G to A substitution at nucleotide position 790. The glutamic acid at codon 264 is replaced by lysine, an amino acid with similar properties. This amino acid position is highly conserved in available vertebrate species. In addition, this alteration is predicted to be deleterious by in silico analysis. Since supporting evidence is limited at this time, the clinical significance of this alteration remains unclear.